The following is an entry in ClinVar:

ClinVar aggregate classification (germline): Uncertain significance. Review status: criteria provided, single submitter (1 of 4 stars). 2 submissions from 2 submitters: Uncertain significance (1). 1 of the submissions does not count toward it. Last evaluated 2024-02-24.

Conditions:
Autosomal recessive osteopetrosis 1. Also called: TCIRG1-Related Autosomal Recessive Osteopetrosis; ALBERS-SCHONBERG DISEASE, AUTOSOMAL RECESSIVE; TCIRG1-Related Osteopetrosis. Identifiers: Orphanet 667, MedGen C1850127, MONDO:0009815, OMIM 259700.

Allele frequency attached by ClinVar (database versions not stated): ExAC 0.00001.
gnomAD v4.1: 9 of 1,609,568 alleles (0.00056%); highest among the groups gnomAD compares: Non-Finnish European, 0.00076%; no homozygotes.

Submissions (2):

Labcorp Genetics (formerly Invitae), Labcorp
Classification: Uncertain significance. Last evaluated: 2024-02-24. Review status: criteria provided, single submitter. Criteria: Invitae Variant Classification Sherloc (09022015). Collection method: clinical testing. Allele origin: germline.
Comment: This sequence change replaces arginine, which is basic and polar, with leucine, which is neutral and non-polar, at codon 233 of the TCIRG1 protein (p.Arg233Leu). The frequency data for this variant in the population databases is considered unreliable, as metrics indicate poor data quality at this position in the gnomAD database. This variant has not been reported in the literature in individuals affected with TCIRG1-related conditions. ClinVar contains an entry for this variant (Variation ID: 1379866). Advanced modeling of protein sequence and biophysical properties (such as structural, functional, and spatial information, amino acid conservation, physicochemical variation, residue mobility, and thermodynamic stability) performed at Invitae indicates that this missense variant is not expected to disrupt TCIRG1 protein function with a negative predictive value of 80%. In summary, the available evidence is currently insufficient to determine the role of this variant in disease. Therefore, it has been classified as a Variant of Uncertain Significance.

Natera, Inc.
Classification: Uncertain significance for Infantile malignant osteopetrosis. Last evaluated: 2025-05-04. Review status: no assertion criteria provided. Collection method: clinical testing. Allele origin: germline. Not counted in ClinVar's aggregate classification.

NM_006019.4(TCIRG1):c.698G>T (p.Arg233Leu)

Gene: TCIRG1 (T cell immune regulator 1, ATPase H+ transporting V0 subunit a3; plus strand). Cytogenetic location: 11q13.2.
Variant type: single nucleotide variant.
Coding change: c.698G>T on transcript NM_006019.4 (MANE Select); coding-DNA position 698, G replaced by T.
Protein change: p.Arg233Leu; replaces arginine 233 with leucine.
Molecular consequence: missense variant. On other transcripts: 5 prime UTR variant (1).
Genome position (GRCh38, 1-based): chr11:68,043,638, G>T. VCF-style: chr11-68043638-G-T. GRCh37 (hg19) VCF-style: chr11-67811105-G-T.
Other names: c.-213G>T (NM_001351059.2); c.50G>T, p.Arg17Leu (NM_006053.4); c.698G>T (NM_006019.3); short protein forms R17L, R233L.
Identifiers: ClinVar variation 1379866 (VCV001379866.8), dbSNP rs769348368, ClinGen allele CA6146776.